The following is an entry in ClinVar:

NM_001122681.2(SH3BP2):c.464C>T (p.Ala155Val)

Gene: SH3BP2 (SH3 domain binding protein 2; plus strand). Cytogenetic location: 4p16.3.
Variant type: single nucleotide variant.
Coding change: c.464C>T on transcript NM_001122681.2 (MANE Select); coding-DNA position 464, C replaced by T.
Protein change: p.Ala155Val; replaces alanine 155 with valine.
Molecular consequence: missense variant.
Genome position (GRCh38, 1-based): chr4:2,827,265, C>T. VCF-style: chr4-2827265-C-T. GRCh37 (hg19) VCF-style: chr4-2828992-C-T.
Other names: p.Ala155Val; c.548C>T, p.Ala183Val (NM_001145855.2, LRG_1334t2); c.635C>T, p.Ala212Val (NM_001145856.2); c.464C>T, p.Ala155Val (NM_003023.4, LRG_1334t1); short protein forms A155V, A183V, A212V.
Identifiers: ClinVar variation 348574 (VCV000348574.44), dbSNP rs35313240, ClinGen allele CA2819184.

ClinVar aggregate classification (germline): Benign/Likely benign. Review status: criteria provided, multiple submitters, no conflicts (2 of 4 stars). 8 submissions from 8 submitters: Benign (4); Likely benign (2). 2 of the submissions do not count toward it. Last evaluated 2026-02-02.

Conditions:
Fibrous dysplasia of jaw (CRBM). Also called: Cherubism. Identifiers: Orphanet 184, MedGen C0008029, MONDO:0007315, OMIM 118400.

Allele frequency attached by ClinVar (database versions not stated): 1000 Genomes Project 0.00399; 1000 Genomes Project 30x 0.00406; gnomAD 0.00442 and 0.00443; TOPMed 0.00456; gnomAD exomes 0.00532 and 0.00705; ESP Exome Variant Server 0.00561; ExAC 0.00562.
gnomAD v4.1: 10,941 of 1,614,226 alleles (0.68%); highest among the groups gnomAD compares: Middle Eastern, 1.4%; 58 homozygotes.

Submissions (8):

Labcorp Genetics (formerly Invitae), Labcorp
Classification: Benign for Fibrous dysplasia of jaw. Last evaluated: 2026-02-02. Review status: criteria provided, single submitter. Criteria: Invitae Variant Classification Sherloc (09022015). Collection method: clinical testing. Allele origin: germline.

Women's Health and Genetics/Laboratory Corporation of America, LabCorp
Classification: Likely benign. Last evaluated: 2026-01-22. Review status: criteria provided, single submitter. Criteria: LabCorp Variant Classification Summary - May 2015. Collection method: clinical testing. Allele origin: germline.

CeGaT Center for Human Genetics Tuebingen
Classification: Likely benign. Last evaluated: 2023-10-01. Review status: criteria provided, single submitter. Criteria: CeGaT Center For Human Genetics Tuebingen Variant Classification Criteria Version 2. Collection method: clinical testing. Allele origin: germline. Affected: yes. Observed: 1 variant allele.
Comment: SH3BP2: BP4, BS2

Mayo Clinic Laboratories, Mayo Clinic
Classification: Benign. Last evaluated: 2022-09-14. Review status: criteria provided, single submitter. Criteria: ACMG Guidelines, 2015. Collection method: clinical testing. Allele origin: germline. Observed: 16 variant alleles.
Comment: BS1, BS2, BP4

Illumina Laboratory Services, Illumina
Classification: Benign for Fibrous dysplasia of jaw. Last evaluated: 2018-01-13. Review status: criteria provided, single submitter. Criteria: ICSL Variant Classification Criteria 13 December 2019. Collection method: clinical testing. Allele origin: germline.
Comment: This variant was observed in the ICSL laboratory as part of a predisposition screen in an ostensibly healthy population. It had not been previously curated by ICSL or reported in the Human Gene Mutation Database (HGMD: prior to June 1st, 2018), and was therefore a candidate for classification through an automated scoring system. Utilizing variant allele frequency, disease prevalence and penetrance estimates, and inheritance mode, an automated score was calculated to assess if this variant is too frequent to cause the disease. Based on the score and internal cut-off values, a variant classified as benign is not then subjected to further curation. The score for this variant resulted in a classification of benign for this disease.

Breakthrough Genomics
Classification: Benign. Review status: criteria provided, single submitter. Criteria: ACMG Guidelines, 2015. Collection method: not provided. Allele origin: germline. Inheritance: Autosomal dominant inheritance. Affected: yes.

Genome Diagnostics Laboratory, University Medical Center Utrecht
Classification: Benign. Review status: no assertion criteria provided. Collection method: clinical testing. Allele origin: germline. Affected: yes. Study: VKGL Data-share Consensus. Not counted in ClinVar's aggregate classification.

Laboratory of Diagnostic Genome Analysis, Leiden University Medical Center (LUMC)
Classification: Likely benign. Review status: no assertion criteria provided. Collection method: clinical testing. Allele origin: germline. Affected: yes. Study: VKGL Data-share Consensus. Not counted in ClinVar's aggregate classification.